The following is an entry in ClinVar:

ClinVar aggregate classification (germline): Pathogenic. Review status: reviewed by expert panel (3 of 4 stars). 11 submissions from 11 submitters: Pathogenic (1). 10 of the submissions do not count toward it. Last evaluated 2020-05-05.

Conditions:
Glycogen storage disease, type II (IOPD). Also called: CARDIOMEGALIA GLYCOGENICA DIFFUSA; GLYCOGENOSIS, GENERALIZED, CARDIAC FORM; GSD II; Glucosidase acid-1,4-alpha deficiency; Glycogen storage disease type 2; Acid maltase deficiency disease. Identifiers: Orphanet 365, MedGen C0017921, MONDO:0009290, OMIM 232300.

Allele frequency attached by ClinVar (database versions not stated): TOPMed 0.00003.
gnomAD v4.1: 7 of 1,613,574 alleles (0.00043%); highest among the groups gnomAD compares: African/African-American, 0.0027%; no homozygotes.

Submissions (11):

ClinGen Lysosomal Storage Disorder Variant Curation Expert Panel
Classification: Pathogenic for Glycogen storage disease, type II. Last evaluated: 2020-05-05. Review status: reviewed by expert panel. Criteria: ClinGen LSD ACMG Specifications v1. Collection method: curation. Allele origin: germline. Inheritance: Autosomal recessive inheritance.
Comment: This variant, c.2238G>A (p.Trp746Ter), is a nonsense variant, predicted to result in nonsense mediated decay and lack of gene product, meeting PVS1. This is supported by the finding that patients with this variant have no GAA cross-reactive immunological material in protein isolated from cultured skin fibroblasts (i.e. CRIM-negative) (PMID 22252923), as well as functional studies in which there was no measurable GAA activity when the variant was expressed in HEK-293 cells (PMID 23430493). The highest population minor allele frequency in gnomAD v2.1.1 is 0.00004 in the African population, meeting PM2. This variant has been reported in 3 patients who meet the ClinGen LSD VCEP's specifications for PP4. Two of these patients are compound heterozygous for pathogenic variants, either c.-32-13T>G or c.1826dupA (PMIDs 16860134, 22613277, 25741864). The phase is unknown. This data meets PM3. This in trans data was used in the assessment of p.Gly615Arg and therefore was not included here in order to avoid circular logic. There is a ClinVar entry for this variant (ClinVar variation ID: 270904, 2 star review status) with 3 submitters classifying the variant as pathogenic and one as likely pathogenic. In summary, this variant meets the criteria to be classified as pathogenic for Pompe disease. GAA-specific ACMG/AMP criteria applied, as specified by the ClinGen LSD VCEP: PVS1, PM2, PM3, PP4

Genomenon, Inc
Classification: Pathogenic for Glycogen storage disease, type II. Last evaluated: 2026-07-01. Review status: criteria provided, single submitter. Criteria: Genomenon Sequence Variant Interpretation Standards - Updated. Collection method: curation. Allele origin: germline. Affected: yes. Not counted in ClinVar's aggregate classification.
Comment: GAA p.Trp746Ter (c.2238G>A) is a nonsense variant that introduces a premature stop codon at amino acid position 746 and is predicted to result in a truncated or absent protein product. This variant has been observed in at least one proband with a GAA-related disorder (PMID:39273088;38250073;33741225;31193175;22613277;25741864;35787971). At least one functional study has demonstrated a substantial alteration in protein function relative to the wild-type (PMID:23430493). It is absent or not present at a significant frequency in gnomAD. In conclusion, we classify GAA p.Trp746Ter (c.2238G>A) as a pathogenic variant.

Labcorp Genetics (formerly Invitae), Labcorp
Classification: Pathogenic for Glycogen storage disease, type II. Last evaluated: 2026-01-31. Review status: criteria provided, single submitter. Criteria: Invitae Variant Classification Sherloc (09022015). Collection method: clinical testing. Allele origin: germline. Not counted in ClinVar's aggregate classification.
Comment: This sequence change creates a premature translational stop signal (p.Trp746*) in the GAA gene. It is expected to result in an absent or disrupted protein product. Loss-of-function variants in GAA are known to be pathogenic (PMID: 18425781, 22252923). This variant is present in population databases (rs1800312, gnomAD 0.004%). This premature translational stop signal has been observed in individuals with Pompe disease (PMID: 16860134, 22613277, 29122469). ClinVar contains an entry for this variant (Variation ID: 370904). For these reasons, this variant has been classified as Pathogenic.

Natera, Inc.
Classification: Pathogenic for Glycogen storage disease type II. Last evaluated: 2025-10-24. Review status: criteria provided, single submitter. Criteria: Natera Variant Classification Schema (03/2026). Collection method: clinical testing. Allele origin: germline. Not counted in ClinVar's aggregate classification.
Comment: The c.2238G>A variant in GAA is a nonsense variant predicted to introduce a stop codon at amino acid 746. This variant is expected to result in nonsense mediated decay, truncation, or a dysfunctional protein product. This variant is rare in the general population with a frequency below the threshold expected for the associated phenotype(s). This variant has been observed in one or more individuals affected with the associated recessive disease, as either homozygous or compound heterozygous with a second variant (PMID: 16860134). Given the available evidence, this variant is classified as Pathogenic.

Revvity Omics, Revvity
Classification: Pathogenic. Last evaluated: 2024-06-21. Review status: criteria provided, single submitter. Criteria: ACMG Guidelines, 2015. Collection method: clinical testing. Allele origin: germline. Not counted in ClinVar's aggregate classification.

Fulgent Genetics
Classification: Pathogenic for Glycogen storage disease, type II. Last evaluated: 2024-02-28. Review status: criteria provided, single submitter. Criteria: ACMG Guidelines, 2015. Collection method: clinical testing. Allele origin: germline. Not counted in ClinVar's aggregate classification.

GeneDx
Classification: Pathogenic. Last evaluated: 2021-12-09. Review status: criteria provided, single submitter. Criteria: GeneDx Variant Classification Process June 2021. Collection method: clinical testing. Allele origin: germline. Affected: yes. Not counted in ClinVar's aggregate classification.
Comment: Published functional studies demonstrate the variant results in reduced GAA activity (Nino et al., 2013); Not observed at a significant frequency in large population cohorts (gnomAD); Nonsense variant predicted to result in nonsense mediated decay in a gene for which loss-of-function is a known mechanism of disease; This variant is associated with the following publications: (PMID: 26889246, 22613277, 25525159, 23457621, 22252923, 25741864, 26685070, 18519449, 29880332, 29122469, 10206684, 28726123, 33741225, 27655474, 26497565, 16860134, 23430493)

Women's Health and Genetics/Laboratory Corporation of America, LabCorp
Classification: Pathogenic for Glycogen storage disease, type II. Last evaluated: 2021-05-30. Review status: criteria provided, single submitter. Criteria: LabCorp Variant Classification Summary - May 2015. Collection method: clinical testing. Allele origin: germline. Not counted in ClinVar's aggregate classification.
Comment: Variant summary: GAA c.2238G>A (p.Trp746X) results in a premature termination codon, predicted to cause a truncation of the encoded protein or absence of the protein due to nonsense mediated decay, which are commonly known mechanisms for disease. Truncations downstream of this position have been classified as pathogenic by our laboratory. The variant allele was found at a frequency of 8e-06 in 250832 control chromosomes. c.2238G>A has been reported in the literature in individuals affected with Glycogen Storage Disease, Type 2 (Pompe Disease) (example, Kishnani_2006, Patel_2012, Mori_2017). These data indicate that the variant is likely to be associated with disease. At least one publication reports experimental evidence evaluating an impact on protein function. The most pronounced variant effect results in <1% of normal GAA activity as measured following transient expression in HEK293 cells (Nino_2013). Six clinical diagnostic laboratories have submitted clinical-significance assessments for this variant to ClinVar after 2014 without evidence for independent evaluation. All laboratories classified the variant as pathogenic/likely pathogenic. Based on the evidence outlined above, the variant was classified as pathogenic.

Broad Center for Mendelian Genomics, Broad Institute of MIT and Harvard
Classification: Pathogenic for Glycogen storage disease, type II. Last evaluated: 2020-01-22. Review status: criteria provided, single submitter. Criteria: ACMG Guidelines, 2015. Collection method: curation. Allele origin: germline. Inheritance: Autosomal recessive inheritance. Not counted in ClinVar's aggregate classification.
Comment: The p.Trp746Ter variant in GAA has been reported in at least 2 Caucasian and 1 Asian individuals with Glycogen Storage Disease II (PMID: 16860134, 22613277, 25741864), and has also been reported likely pathogenic by Counsyl and pathogenic by EGL Genetic Diagnostics, GeneDx, and Invitae in ClinVar (Variation ID: 370904). This variant has been identified in 0.004% (1/24930) of African chromosomes and 0.002% (2/128684) of European (non-Finnish) chromosomes by the Genome Aggregation Database (gnomAD; dbSNP rs1800312). Although this variant has been seen in the general population, its frequency is low enough to be consistent with a recessive carrier frequency. In vitro functional studies with HEK293 cells transfected with this variant provide some evidence that the p.Trp746Ter variant may impact GAA processing and activity (PMID: 23430493). However, these types of assays may not accurately represent biological function. This nonsense variant leads to a premature termination codon at position 746, which is predicted to lead to a truncated or absent protein. Loss of function of the GAA gene is an established disease mechanism in autosomal recessive Glycogen Storage Disease II. The presence of this variant in combination with a reported pathogenic variant and in an individual with Glycogen Storage Disease II increases the likelihood that the p.Trp746Ter variant is pathogenic (PMID: 22613277). The phenotype of individuals heterozygous for this variant is highly specific for Glycogen Storage Disease II with abnormally low GAA activity detected in an assay of skin fibroblasts (PMID: 16860134, 22613277). One additional pathogenic variant, c.2237G>A (p.Trp746Ter), with the same position and amino acid change has been reported in association with disease (PMID: 26497565, 10206684, 12923862, 16917947, 18429042, 18285536, 21484825, 22980766, 24158270, 22237443, 24169249, 25488666, 25526786, 24269976, 17056254). In summary, this variant meets criteria to be classified as pathogenic for Glycogen Storage Disease II in an autosomal recessive manner based on the predicted impact of the variant and low frequency in the general population. ACMG/AMP Criteria applied: PVS1, PM2, PM3_Supporting, PP4 (Richards 2015).

Eurofins Ntd Llc (ga)
Classification: Pathogenic. Last evaluated: 2017-01-17. Review status: criteria provided, single submitter. Criteria: EGL Classification Definitions 2015. Collection method: clinical testing. Allele origin: germline. Observed: 2 variant alleles, 2 heterozygotes. Not counted in ClinVar's aggregate classification.

Counsyl
Classification: Likely pathogenic for Glycogen storage disease, type II. Last evaluated: 2016-05-11. Review status: no assertion criteria provided. Collection method: clinical testing. Allele origin: unknown. Not counted in ClinVar's aggregate classification.

Literature cited by the submitters: PubMed 39273088 (cited by Genomenon, Inc); PubMed 38250073 (cited by Genomenon, Inc); PubMed 33741225 (cited by Genomenon, Inc); PubMed 31193175 (cited by Genomenon, Inc); PubMed 22613277 (cited by 5 submitters); PubMed 25741864 (cited by 3 submitters); PubMed 35787971 (cited by Genomenon, Inc); PubMed 23430493 (cited by 4 submitters); PubMed 18425781 (cited by Labcorp Genetics (formerly Invitae), Labcorp); PubMed 22252923 (cited by Labcorp Genetics (formerly Invitae), Labcorp); PubMed 16860134 (cited by 6 submitters); PubMed 29122469 (cited by Labcorp Genetics (formerly Invitae), Labcorp and Women's Health and Genetics/Laboratory Corporation of America, LabCorp).

NM_000152.5(GAA):c.2238G>A (p.Trp746Ter)

Gene: GAA (alpha glucosidase; plus strand). Cytogenetic location: 17q25.3.
Variant type: single nucleotide variant.
Coding change: c.2238G>A on transcript NM_000152.5 (MANE Select); coding-DNA position 2238, G replaced by A.
Protein change: p.Trp746Ter; replaces tryptophan 746 with a stop codon.
Molecular consequence: nonsense.
Genome position (GRCh38, 1-based): chr17:80,117,016, G>A. VCF-style: chr17-80117016-G-A. GRCh37 (hg19) VCF-style: chr17-78090815-G-A.
Other names: c.2238G>A, p.Trp746Ter (NM_001079803.3, NM_001079804.3); c.2238G>A (LRG_673t1); short protein forms W746*.
Identifiers: ClinVar variation 370904 (VCV000370904.35), dbSNP rs1800312, ClinGen allele CA8815666.